The following is an entry in ClinVar:

NM_031935.3(HMCN1):c.929G>A (p.Arg310His)

Gene: HMCN1 (hemicentin 1; plus strand). Cytogenetic location: 1q31.1.
Variant type: single nucleotide variant.
Coding change: c.929G>A on transcript NM_031935.3 (MANE Select); coding-DNA position 929, G replaced by A.
Protein change: p.Arg310His; replaces arginine 310 with histidine.
Molecular consequence: missense variant.
Genome position (GRCh38, 1-based): chr1:185,922,407, G>A. VCF-style: chr1-185922407-G-A. GRCh37 (hg19) VCF-style: chr1-185891539-G-A.
Other names: short protein forms R310H.
Identifiers: ClinVar variation 1926086 (VCV001926086.5), dbSNP rs770383703, ClinGen allele CA343890792.

ClinVar aggregate classification (germline): Uncertain significance (1 of 4 stars; one submission).

Allele frequency attached by ClinVar (database versions not stated): gnomAD 0.00001; TOPMed 0.00002.
gnomAD v4.1: 11 of 1,613,258 alleles (0.00068%); highest among the groups gnomAD compares: Non-Finnish European, 0.00093%; no homozygotes.

Submission:

Labcorp Genetics (formerly Invitae), Labcorp
Classification: Uncertain significance. Last evaluated: 2022-11-28. Review status: criteria provided, single submitter. Criteria: Invitae Variant Classification Sherloc (09022015). Collection method: clinical testing. Allele origin: germline.
Comment: In summary, the available evidence is currently insufficient to determine the role of this variant in disease. Therefore, it has been classified as a Variant of Uncertain Significance. Algorithms developed to predict the effect of missense changes on protein structure and function are either unavailable or do not agree on the potential impact of this missense change (SIFT: "Deleterious"; PolyPhen-2: "Probably Damaging"; Align-GVGD: "Class C0"). This variant has not been reported in the literature in individuals affected with HMCN1-related conditions. This variant is not present in population databases (gnomAD no frequency). This sequence change replaces arginine, which is basic and polar, with histidine, which is basic and polar, at codon 310 of the HMCN1 protein (p.Arg310His).